The following is an entry in ClinVar:

ClinVar aggregate classification (germline): Pathogenic/Likely pathogenic. Review status: criteria provided, multiple submitters, no conflicts (2 of 4 stars). 4 submissions from 4 submitters: Pathogenic (1); Likely pathogenic (1). 2 of the submissions do not count toward it. Last evaluated 2025-06-03.

Conditions:
Marfan Syndrome/Loeys-Dietz Syndrome/Familial Thoracic Aortic Aneurysms and Dissections. Identifiers: MedGen CN229799.
Marfan syndrome (MFS). Also called: Marfan syndrome, classic; FBN1-Related Marfan Syndrome; Marfan syndrome type 1; Marfan's syndrome; MARFAN SYNDROME, TYPE I. Identifiers: Orphanet 284963, Orphanet 558, MedGen C0024796, MONDO:0007947, OMIM 154700.
Familial thoracic aortic aneurysm and aortic dissection (TAAD). Also called: Thoracic aortic aneurysms and dissections. Identifiers: Orphanet 91387, MedGen C4707243, MONDO:0019625.

Submissions (4):

Labcorp Genetics (formerly Invitae), Labcorp
Classification: Pathogenic for Marfan syndrome; Familial thoracic aortic aneurysm and aortic dissection. Last evaluated: 2025-06-03. Review status: criteria provided, single submitter. Criteria: Invitae Variant Classification Sherloc (09022015). Collection method: clinical testing. Allele origin: germline.
Comment: This sequence change replaces cysteine, which is neutral and slightly polar, with tyrosine, which is neutral and polar, at codon 769 of the FBN1 protein (p.Cys769Tyr). This variant is not present in population databases (gnomAD no frequency). This missense change has been observed in individuals with Marfan syndrome (PMID: 19293843, 20564469). ClinVar contains an entry for this variant (Variation ID: 199995). Invitae Evidence Modeling of protein sequence and biophysical properties (such as structural, functional, and spatial information, amino acid conservation, physicochemical variation, residue mobility, and thermodynamic stability) indicates that this missense variant is expected to disrupt FBN1 protein function with a positive predictive value of 95%. This variant affects a cysteine residue in the EGF-like, TGFBP or hybrid motif domains of FBN1. Cysteine residues are believed to be involved in intramolecular disulfide bridges and have been shown to be important for FBN1 protein structure (PMID: 16905551, 19349279). In addition, missense substitutions affecting cysteine residues within these domains are significantly overrepresented among patients with Marfan syndrome (PMID: 16571647, 17701892). For these reasons, this variant has been classified as Pathogenic.

Women's Health and Genetics/Laboratory Corporation of America, LabCorp
Classification: Likely pathogenic for Marfan Syndrome/Loeys-Dietz Syndrome/Familial Thoracic Aortic Aneurysms and Dissections. Last evaluated: 2020-08-31. Review status: criteria provided, single submitter. Criteria: LabCorp Variant Classification Summary - May 2015. Collection method: clinical testing. Allele origin: germline.
Comment: Variant summary: FBN1 c.2306G>A (p.Cys769Tyr) results in a non-conservative amino acid change located in the EGF-like domain (IPR000742) of the encoded protein sequence. Five of five in-silico tools predict a damaging effect of the variant on protein function. The variant was absent in 251502 control chromosomes (gnomAD). c.2306G>A has been reported in the literature in individuals affected with Ectopia lentis and Marfan Syndrome including one de novo occurrence (Stheneur_2009, Aragon-Martin_2010, Li_2014, Weerakkody_2018). These data indicate that the variant is likely to be associated with disease. To our knowledge, no experimental evidence demonstrating an impact on protein function has been reported. Two ClinVar submitters (evaluation after 2014) cite the variant as pathogenic and likely pathogenic. Based on the evidence outlined above, the variant was classified as likely pathogenic.

Center for Medical Genetics Ghent, University of Ghent
Classification: Likely pathogenic for Marfan syndrome. Last evaluated: 2017-11-07. Review status: no assertion criteria provided. Collection method: clinical testing. Allele origin: germline. Affected: yes. Not counted in ClinVar's aggregate classification.

Centre for Genomic and Experimental Medicine, University of Edinburgh
Classification: Likely pathogenic for Familial thoracic aortic aneurysm and aortic dissection. Review status: no assertion criteria provided. Collection method: research. Allele origin: unknown. Affected: yes. Not counted in ClinVar's aggregate classification.

Literature cited by the submitters: PubMed 19293843 (cited by Labcorp Genetics (formerly Invitae), Labcorp and Women's Health and Genetics/Laboratory Corporation of America, LabCorp); PubMed 20564469 (cited by Labcorp Genetics (formerly Invitae), Labcorp and Women's Health and Genetics/Laboratory Corporation of America, LabCorp); PubMed 16905551 (cited by Labcorp Genetics (formerly Invitae), Labcorp); PubMed 19349279 (cited by Labcorp Genetics (formerly Invitae), Labcorp); PubMed 16571647 (cited by Labcorp Genetics (formerly Invitae), Labcorp); PubMed 17701892 (cited by Labcorp Genetics (formerly Invitae), Labcorp); PubMed 25053872 (cited by Women's Health and Genetics/Laboratory Corporation of America, LabCorp); PubMed 29543232 (cited by Women's Health and Genetics/Laboratory Corporation of America, LabCorp); PubMed 24635535 (cited by Women's Health and Genetics/Laboratory Corporation of America, LabCorp).

NM_000138.5(FBN1):c.2306G>A (p.Cys769Tyr)

Gene: FBN1 (fibrillin 1; minus strand). Cytogenetic location: 15q21.1.
Variant type: single nucleotide variant.
Coding change: c.2306G>A on transcript NM_000138.5 (MANE Select); coding-DNA position 2306, G replaced by A.
Protein change: p.Cys769Tyr; replaces cysteine 769 with tyrosine.
Molecular consequence: missense variant.
Genome position (GRCh38, 1-based): chr15:48,496,213, C>T on the plus strand (G>A on the coding strand, the complement: FBN1 is on the minus strand). VCF-style: chr15-48496213-C-T. GRCh37 (hg19) VCF-style: chr15-48788410-C-T.
Other names: short protein forms C769Y.
Identifiers: ClinVar variation 199995 (VCV000199995.9), dbSNP rs794728190, ClinGen allele CA012956.
Genomic context (GRCh38, chr15:48,496,213, plus strand): 5'-ACAAAACTTCCAGGAGTATTTCTACATTGTCCATTGTCACAAAGGAGACTGTTCAGTACA[C>T]ATTCATTAATATCTGCAAAGTCAATGAAAATAAACACTTAAAAAGGGCCCAAACTTTGCC-3'
Protein context (NP_000129.3, residues 759-779): TGKNCVDINE[Cys769Tyr]VLNSLLCDNG